The following is an entry in ClinVar:

ClinVar aggregate classification (germline): Likely pathogenic (1 of 4 stars; one submission).

Conditions:
X-linked lymphoproliferative disease due to SH2D1A deficiency (XLP1). Also called: PURTILO SYNDROME; SH2D1A-Related Lymphoproliferative Disease, X-Linked; EBV infection severe susceptibility to; Epstein Barr virus infection familial fatal; Duncan's syndrome; DUNCAN DISEASE. Identifiers: Orphanet 2442, Orphanet 538931, MedGen C5399825, MONDO:0024551, OMIM 308240.

Submission:

Labcorp Genetics (formerly Invitae), Labcorp
Classification: Likely pathogenic for X-linked lymphoproliferative disease due to SH2D1A deficiency. Last evaluated: 2025-08-07. Review status: criteria provided, single submitter. Criteria: Invitae Variant Classification Sherloc (09022015). Collection method: clinical testing. Allele origin: germline.
Comment: This variant results in the deletion of part of exon 2 (c.199_201+23del) of the SH2D1A gene. It is expected to disrupt RNA splicing. Variants that disrupt the donor or acceptor splice site typically lead to a loss of protein function (PMID: 16199547), and loss-of-function variants in SH2D1A are known to be pathogenic (PMID: 9771704, 11049992, 15711562). This variant is not present in population databases (gnomAD no frequency). This variant has not been reported in the literature in individuals affected with SH2D1A-related conditions. In summary, the currently available evidence indicates that the variant is pathogenic, but additional data are needed to prove that conclusively. Therefore, this variant has been classified as Likely Pathogenic.

Literature cited by the submitters: PubMed 16199547; PubMed 9771704; PubMed 11049992; PubMed 15711562.

NM_002351.5(SH2D1A):c.199_201+23del

Gene: SH2D1A (SH2 domain containing 1A; plus strand). Cytogenetic location: Xq25.
Variant type: Deletion.
Coding change: c.199_201+23del on transcript NM_002351.5 (MANE Select); coding-DNA position 199 through 23 bases into the intron after coding-DNA position 201, 26 bases deleted (GAGGTATAGTTGTATTTATTTTTGCT).
Molecular consequence: splice donor variant.
Genome position (GRCh38, 1-based): chrX:124,365,822-124,365,847, GAGGTATAGTTGTATTTATTTTTGCT deleted; deleting any 26 consecutive bases within chrX:124,365,818-124,365,847 gives the same sequence; the c. name uses the placement nearest the transcript's 3' end. VCF-style (leftmost placement, unchanged base first): chrX-124365817-GTGCTGAGGTATAGTTGTATTTATTTT-G. GRCh37 (hg19) VCF-style: chrX-123499667-GTGCTGAGGTATAGTTGTATTTATTTT-G.
Other names: c.199_201+23del (NM_001114937.3).
Identifiers: ClinVar variation 4712183 (VCV004712183.1).
Genomic context (GRCh38, chrX:124,365,817, plus strand): 5'-ACAGGTATCACGGTTACATTTATACATACCGAGTGTCCCAGACAGAAACAGGTTCTTGGA[GTGCTGAGGTATAGTTGTATTTATTTT>G]TGCTTCTGGGGGTGTCAAGGAGGTATTTGAAATTTAGGCTGGTTTTATAAAAGAGCAAAT-3'